The following is an entry in ClinVar:

NM_001190787.3(MCIDAS):c.149del (p.Gly50fs)

Gene: MCIDAS (multiciliate differentiation and DNA synthesis associated cell cycle protein; minus strand). Cytogenetic location: 5q11.2.
Variant type: Deletion.
Coding change: c.149del on transcript NM_001190787.3 (MANE Select); coding-DNA position 149, one base deleted (G; older notation c.149delG).
Protein change: p.Gly50fs; shifts the reading frame from glycine 50.
Molecular consequence: frameshift variant.
Genome position (GRCh38, 1-based): chr5:55,226,903, C deleted on the plus strand (G on the coding strand, the reverse complement: MCIDAS is on the minus strand); the first of 2 consecutive C bases (chr5:55,226,903-55,226,904); deleting either gives the same sequence. VCF-style (leftmost placement, unchanged base first): chr5-55226902-TC-T. GRCh37 (hg19) VCF-style: chr5-54522730-TC-T.
Other names: short protein forms G50fs.
Identifiers: ClinVar variation 1997691 (VCV001997691.4), dbSNP rs2478527360, ClinGen allele CA2580073321.
Genomic context (GRCh38, chr5:55,226,902, plus strand): 5'-CGCTGTGGGCTCGGCGTCCGGGGGATCCTCGTACACCGACACCGGGCTCCCGCCTGTGCA[TC>T]CGGGGAAGAACTTCCGCGGAGGAGCGAACTGGCCGGGCACACAAACGTTGAACGCGGGTC-3'

ClinVar aggregate classification (germline): Pathogenic (1 of 4 stars; one submission).

Conditions:
Primary ciliary dyskinesia. Also called: Ciliary dyskinesia. Identifiers: Orphanet 244, MedGen C0008780, MONDO:0016575, HP:0012265.

Submission:

Labcorp Genetics (formerly Invitae), Labcorp
Classification: Pathogenic for Primary ciliary dyskinesia. Last evaluated: 2023-08-17. Review status: criteria provided, single submitter. Criteria: Invitae Variant Classification Sherloc (09022015). Collection method: clinical testing. Allele origin: germline.
Comment: This sequence change creates a premature translational stop signal (p.Gly50Aspfs*28) in the MCIDAS gene. It is expected to result in an absent or disrupted protein product. Loss-of-function variants in MCIDAS are known to be pathogenic (PMID: 25048963). This variant is not present in population databases (gnomAD no frequency). This variant has not been reported in the literature in individuals affected with MCIDAS-related conditions. ClinVar contains an entry for this variant (Variation ID: 1997691). For these reasons, this variant has been classified as Pathogenic.

Literature cited by the submitters: PubMed 25048963.